The following is an entry in ClinVar:

NM_000844.4(GRM7):c.2395A>G (p.Ile799Val)

Gene: GRM7 (glutamate metabotropic receptor 7; plus strand). Cytogenetic location: 3p26.1.
Variant type: single nucleotide variant.
Coding change: c.2395A>G on transcript NM_000844.4 (MANE Select); coding-DNA position 2395, A replaced by G.
Protein change: p.Ile799Val; replaces isoleucine 799 with valine.
Molecular consequence: missense variant.
Genome position (GRCh38, 1-based): chr3:7,579,301, A>G. VCF-style: chr3-7579301-A-G. GRCh37 (hg19) VCF-style: chr3-7620988-A-G.
Other names: c.2395A>G, p.Ile799Val (NM_181874.3); short protein forms I799V.
Identifiers: ClinVar variation 1362305 (VCV001362305.6), dbSNP rs1300479133, ClinGen allele CA351801296.

ClinVar aggregate classification (germline): Uncertain significance (1 of 4 stars; one submission).

Allele frequency attached by ClinVar (database versions not stated): gnomAD exomes below 0.00001.
gnomAD v4.1: 1 of 1,602,872 alleles (0.000062%); no homozygotes.

Submission:

Labcorp Genetics (formerly Invitae), Labcorp
Classification: Uncertain significance. Last evaluated: 2022-10-03. Review status: criteria provided, single submitter. Criteria: Invitae Variant Classification Sherloc (09022015). Collection method: clinical testing. Allele origin: germline.
Comment: This variant is present in population databases (no rsID available, gnomAD 0.0009%). This variant has not been reported in the literature in individuals affected with GRM7-related conditions. ClinVar contains an entry for this variant (Variation ID: 1362305). Advanced modeling of protein sequence and biophysical properties (such as structural, functional, and spatial information, amino acid conservation, physicochemical variation, residue mobility, and thermodynamic stability) performed at Invitae indicates that this missense variant is not expected to disrupt GRM7 protein function. In summary, the available evidence is currently insufficient to determine the role of this variant in disease. Therefore, it has been classified as a Variant of Uncertain Significance. This sequence change replaces isoleucine, which is neutral and non-polar, with valine, which is neutral and non-polar, at codon 799 of the GRM7 protein (p.Ile799Val).